The following is an entry in ClinVar:

ClinVar aggregate classification (germline): Likely benign (1 of 4 stars; one submission).

Allele frequency attached by ClinVar (database versions not stated): TOPMed 0.00001; gnomAD exomes 0.00009; gnomAD 0.00017; ExAC 0.00022.
gnomAD v4.1: 152 of 1,578,612 alleles (0.0096%); highest among the groups gnomAD compares: Non-Finnish European, 0.0032%; no homozygotes.

Submission:

CeGaT Center for Human Genetics Tuebingen
Classification: Likely benign. Last evaluated: 2022-04-01. Review status: criteria provided, single submitter. Criteria: CeGaT Center For Human Genetics Tuebingen Variant Classification Criteria Version 2. Collection method: clinical testing. Allele origin: germline. Affected: yes. Observed: 1 variant allele.
Comment: CD101: BP4, BP7

NM_001256106.3(CD101):c.1614G>A (p.Glu538=)

Genes: CD101 (CD101 molecule; plus strand), LOC126805841 (BRD4-independent group 4 enhancer GRCh37_chr1:117560254-117561453; plus strand). Cytogenetic location: 1p13.1.
Variant type: single nucleotide variant.
Coding change: c.1614G>A on transcript NM_001256106.3 (MANE Select); coding-DNA position 1614, G replaced by A.
Protein change: p.Glu538=; no amino-acid change (glutamic acid 538 retained).
Molecular consequence: synonymous variant.
Genome position (GRCh38, 1-based): chr1:117,018,157, G>A. VCF-style: chr1-117018157-G-A. GRCh37 (hg19) VCF-style: chr1-117560779-G-A.
Other names: c.1614G>A, p.Glu538= (NM_001256109.3, NM_004258.6); c.1428G>A, p.Glu476= (NM_001256111.3).
Identifiers: ClinVar variation 2639028 (VCV002639028.24), dbSNP rs192424330, ClinGen allele CA1028400.